The following is an entry in ClinVar:

NM_001042492.3(NF1):c.4663del (p.Ala1555fs)

Gene: NF1 (neurofibromin 1; plus strand). Cytogenetic location: 17q11.2.
Variant type: Deletion.
Coding change: c.4663del on transcript NM_001042492.3 (MANE Select); coding-DNA position 4663, one base deleted (G; older notation c.4663delG).
Protein change: p.Ala1555fs; shifts the reading frame from alanine 1555.
Molecular consequence: frameshift variant.
Genome position (GRCh38, 1-based): chr17:31,261,796, G deleted; the last of 2 consecutive G bases (chr17:31,261,795-31,261,796); deleting either gives the same sequence. VCF-style (leftmost placement, unchanged base first): chr17-31261794-TG-T. GRCh37 (hg19) VCF-style: chr17-29588812-TG-T.
Other names: c.4600delG (NM_000267.3); c.4600delG, p.Ala1534Glnfs (NM_000267.4); short protein forms A1534fs, A1555fs.
Identifiers: ClinVar variation 573251 (VCV000573251.5), dbSNP rs1567863614, ClinGen allele CA645582465.

ClinVar aggregate classification (germline): Pathogenic (1 of 4 stars; one submission).

Conditions:
Neurofibromatosis, type 1 (NF1). Also called: Peripheral type neurofibromatosis; VON RECKLINGHAUSEN DISEASE; Neurofibromatosis, type I; NEUROFIBROMATOSIS, TYPE I, SOMATIC. Identifiers: Orphanet 636, MedGen C0027831, MONDO:0018975, OMIM 162200. Disease mechanism: loss of function.

Submission:

Labcorp Genetics (formerly Invitae), Labcorp
Classification: Pathogenic for Neurofibromatosis, type 1. Last evaluated: 2018-02-06. Review status: criteria provided, single submitter. Criteria: Invitae Variant Classification Sherloc (09022015). Collection method: clinical testing. Allele origin: germline.
Comment: For these reasons, this variant has been classified as Pathogenic. Loss-of-function variants in NF1 are known to be pathogenic (PMID: 10712197, 23913538). This variant has been reported in individuals in the Leiden Open-source Variation Database (PMID: 21520333). This variant is not present in population databases (ExAC no frequency). This sequence change creates a premature translational stop signal (p.Ala1534Glnfs*19) in the NF1 gene. It is expected to result in an absent or disrupted protein product.

Literature cited by the submitters: PubMed 10712197; PubMed 23913538; PubMed 21520333.